The following is an entry in ClinVar:

NM_013254.4(TBK1):c.2048T>C (p.Leu683Ser)

Gene: TBK1 (TANK binding kinase 1; plus strand). Cytogenetic location: 12q14.2.
Variant type: single nucleotide variant.
Coding change: c.2048T>C on transcript NM_013254.4 (MANE Select); coding-DNA position 2048, T replaced by C.
Protein change: p.Leu683Ser; replaces leucine 683 with serine.
Molecular consequence: missense variant.
Genome position (GRCh38, 1-based): chr12:64,497,736, T>C. VCF-style: chr12-64497736-T-C. GRCh37 (hg19) VCF-style: chr12-64891516-T-C.
Other names: short protein forms L683S.
Identifiers: ClinVar variation 1345129 (VCV001345129.8), dbSNP rs1306279522, ClinGen allele CA385607155.

ClinVar aggregate classification (germline): Uncertain significance. Review status: criteria provided, multiple submitters, no conflicts (2 of 4 stars). 3 submissions from 3 submitters: Uncertain significance (2). 1 of the submissions does not count toward it. Last evaluated 2025-07-29.

Conditions:
TBK1-related disorder. Also called: TBK1-related condition.
Frontotemporal dementia and/or amyotrophic lateral sclerosis 4. Also called: FTDALS4. Identifiers: Orphanet 275872, MedGen C4225325, MONDO:0014641, OMIM 616439.

Allele frequency attached by ClinVar (database versions not stated): gnomAD exomes below 0.00001; TOPMed below 0.00001.

Submissions (3):

Labcorp Genetics (formerly Invitae), Labcorp
Classification: Uncertain significance for Frontotemporal dementia and/or amyotrophic lateral sclerosis 4. Last evaluated: 2025-07-29. Review status: criteria provided, single submitter. Criteria: Invitae Variant Classification Sherloc (09022015). Collection method: clinical testing. Allele origin: germline.
Comment: This sequence change replaces leucine, which is neutral and non-polar, with serine, which is neutral and polar, at codon 683 of the TBK1 protein (p.Leu683Ser). The frequency data for this variant in the population databases is considered unreliable, as metrics indicate poor data quality at this position in the gnomAD database. This variant has not been reported in the literature in individuals affected with TBK1-related conditions. ClinVar contains an entry for this variant (Variation ID: 1345129). Invitae Evidence Modeling of protein sequence and biophysical properties (such as structural, functional, and spatial information, amino acid conservation, physicochemical variation, residue mobility, and thermodynamic stability) indicates that this missense variant is not expected to disrupt TBK1 protein function with a negative predictive value of 95%. In summary, the available evidence is currently insufficient to determine the role of this variant in disease. Therefore, it has been classified as a Variant of Uncertain Significance.

GeneDx
Classification: Uncertain significance. Last evaluated: 2022-11-28. Review status: criteria provided, single submitter. Criteria: GeneDx Variant Classification Process June 2021. Collection method: clinical testing. Allele origin: germline. Affected: yes.
Comment: Reported previously in a patient with a family history of frontotemporal dementia; however, no clinical or segregation information was provided (Ramos et al., 2020); Not observed at significant frequency in large population cohorts (gnomAD); In silico analysis supports that this missense variant does not alter protein structure/function; This variant is associated with the following publications: (PMID: 32980182, 31914217)

PreventionGenetics, part of Exact Sciences
Classification: Uncertain significance for TBK1-related condition. Last evaluated: 2024-09-13. Review status: no assertion criteria provided. Collection method: clinical testing. Allele origin: germline. Not counted in ClinVar's aggregate classification.
Comment: The TBK1 c.2048T>C variant is predicted to result in the amino acid substitution p.Leu683Ser. This variant was reported in an individual with familial frontotemporal dementia, who also carried an expanded C9orf72 repeat, and was interpreted as uncertain (Ramos et al 2020. PubMed ID: 31914217). This variant is reported in 0.00090% of alleles in individuals of European (Non-Finnish) descent in gnomAD. At this time, the clinical significance of this variant is uncertain due to the absence of conclusive functional and genetic evidence.